The following is an entry in ClinVar:

ClinVar aggregate classification (germline): Likely pathogenic (1 of 4 stars; one submission).

Conditions:
Autosomal recessive limb-girdle muscular dystrophy type 2J (LGMDR10). Also called: Limb-girdle muscular dystrophy, type 2J; MUSCULAR DYSTROPHY, LIMB-GIRDLE, AUTOSOMAL RECESSIVE 10. Identifiers: Orphanet 140922, MedGen C1837342, MONDO:0012127, OMIM 608807.
Dilated cardiomyopathy 1G (CMD1G). Identifiers: Orphanet 154, MedGen C1858763, MONDO:0011400, OMIM 604145.

Submission:

Labcorp Genetics (formerly Invitae), Labcorp
Classification: Likely pathogenic for Dilated cardiomyopathy 1G; Autosomal recessive limb-girdle muscular dystrophy type 2J. Last evaluated: 2023-10-11. Review status: criteria provided, single submitter. Criteria: Invitae Variant Classification Sherloc (09022015). Collection method: clinical testing. Allele origin: germline.
Comment: This sequence change creates a premature translational stop signal (p.Tyr17182Hisfs*7) in the TTN gene. While this is not anticipated to result in nonsense mediated decay, it is expected to create a truncated TTN protein. This variant is not present in population databases (gnomAD no frequency). This variant has not been reported in the literature in individuals affected with TTN-related conditions. This variant is located in the A band of TTN (PMID: 25589632). Truncating variants in this region are significantly overrepresented in patients affected with dilated cardiomyopathy (PMID: 25589632). Truncating variants in this region have also been reported in individuals affected with autosomal recessive centronuclear myopathy (PMID: 23975875). In summary, the currently available evidence indicates that the variant is pathogenic, but additional data are needed to prove that conclusively. Therefore, this variant has been classified as Likely Pathogenic.

Literature cited by the submitters: PubMed 25589632; PubMed 23975875.

NM_001267550.2(TTN):c.51544_51545del (p.Tyr17182fs)

Genes: TTN (titin; minus strand), TTN-AS1 (TTN antisense RNA 1; plus strand). Cytogenetic location: 2q31.2.
Variant type: Deletion.
Coding change: c.51544_51545del on transcript NM_001267550.2 (MANE Select); coding-DNA positions 51544 to 51545, 2 bases deleted (TA; older notation c.51544_51545delTA).
Protein change: p.Tyr17182fs; shifts the reading frame from tyrosine 17182.
Molecular consequence: frameshift variant.
Genome position (GRCh38, 1-based): chr2:178,609,878-178,609,879, TA deleted on the plus strand (TA on the coding strand, the reverse complement: TTN is on the minus strand). VCF-style (leftmost placement, unchanged base first): chr2-178609877-GTA-G. GRCh37 (hg19) VCF-style: chr2-179474604-GTA-G.
Other names: c.24349_24350del, p.Tyr8117fs (NM_003319.4); c.43840_43841del, p.Tyr14614fs (NM_133378.4); c.24724_24725del, p.Tyr8242fs (NM_133432.3); c.24925_24926del, p.Tyr8309fs (NM_133437.4); c.46621_46622del, p.Tyr15541fs (NM_001256850.1); short protein forms Y15541fs, Y8117fs, Y14614fs, Y8242fs, Y8309fs, Y17182fs.
Identifiers: ClinVar variation 2952777 (VCV002952777.3), dbSNP rs2470410097, ClinGen allele CA2740096127.